The following is an entry in ClinVar:

NM_020832.3(ZNF687):c.527C>T (p.Pro176Leu)

Gene: ZNF687 (zinc finger protein 687; plus strand). Cytogenetic location: 1q21.3.
Variant type: single nucleotide variant.
Coding change: c.527C>T on transcript NM_020832.3 (MANE Select); coding-DNA position 527, C replaced by T.
Protein change: p.Pro176Leu; replaces proline 176 with leucine.
Molecular consequence: missense variant.
Genome position (GRCh38, 1-based): chr1:151,286,818, C>T. VCF-style: chr1-151286818-C-T. GRCh37 (hg19) VCF-style: chr1-151259294-C-T.
Other names: c.527C>T, p.Pro176Leu (NM_001304763.2, NM_001304764.2); c.527C>T (NM_020832.2, NM_020832.1); short protein forms P176L.
Identifiers: ClinVar variation 2075548 (VCV002075548.7), dbSNP rs61739618, ClinGen allele CA1088168.

ClinVar aggregate classification (germline): Conflicting classifications of pathogenicity. Review status: criteria provided, conflicting classifications (1 of 4 stars). 3 submissions from 3 submitters: Uncertain significance (1); Likely benign (1). 1 of the submissions does not count toward it. Last evaluated 2026-01-25.

Conditions:
ZNF687-related disorder. Also called: ZNF687-related condition.

Allele frequency attached by ClinVar (database versions not stated): 1000 Genomes Project 30x 0.00031; 1000 Genomes Project 0.00040; gnomAD 0.00119; ESP Exome Variant Server 0.00154; TOPMed 0.00154.
gnomAD v4.1: 360 of 1,614,226 alleles (0.022%); highest among the groups gnomAD compares: African/African-American, 0.38%; no homozygotes.

Submissions (3):

Labcorp Genetics (formerly Invitae), Labcorp
Classification: Likely benign. Last evaluated: 2026-01-25. Review status: criteria provided, single submitter. Criteria: Invitae Variant Classification Sherloc (09022015). Collection method: clinical testing. Allele origin: germline.

Ambry Genetics
Classification: Uncertain significance. Last evaluated: 2025-08-10. Review status: criteria provided, single submitter. Criteria: Ambry Variant Classification Scheme 2023. Collection method: clinical testing. Allele origin: germline.

PreventionGenetics, part of Exact Sciences
Classification: Likely benign for ZNF687-related condition. Last evaluated: 2019-06-10. Review status: no assertion criteria provided. Collection method: clinical testing. Allele origin: germline. Not counted in ClinVar's aggregate classification.
Comment: This variant is classified as likely benign based on ACMG/AMP sequence variant interpretation guidelines (Richards et al. 2015 PMID: 25741868, with internal and published modifications).